The following is an entry in ClinVar:

ClinVar aggregate classification (germline): Uncertain significance. Review status: criteria provided, multiple submitters, no conflicts (2 of 4 stars). 2 submissions from 2 submitters: Uncertain significance (2). Last evaluated 2023-05-13.

Submissions (2):

Women's Health and Genetics/Laboratory Corporation of America, LabCorp
Classification: Uncertain significance. Last evaluated: 2023-05-13. Review status: criteria provided, single submitter. Criteria: LabCorp Variant Classification Summary - May 2015. Collection method: clinical testing. Allele origin: germline.

GeneDx
Classification: Uncertain significance. Last evaluated: 2020-06-19. Review status: criteria provided, single submitter. Criteria: GeneDx Variant Classification Process June 2021. Collection method: clinical testing. Allele origin: germline. Affected: yes.
Comment: Not observed in large population cohorts (Lek et al., 2016); In silico analysis supports that this missense variant does not alter protein structure/function; Has not been previously published as pathogenic or benign to our knowledge

NM_000051.4(ATM):c.5402A>C (p.Asn1801Thr)

Gene: ATM (ATM serine/threonine kinase; plus strand). Cytogenetic location: 11q22.3.
Variant type: single nucleotide variant.
Coding change: c.5402A>C on transcript NM_000051.4 (MANE Select); coding-DNA position 5402, A replaced by C.
Protein change: p.Asn1801Thr; replaces asparagine 1801 with threonine.
Molecular consequence: missense variant.
Genome position (GRCh38, 1-based): chr11:108,302,935, A>C. VCF-style: chr11-108302935-A-C. GRCh37 (hg19) VCF-style: chr11-108173662-A-C.
Other names: c.5402A>C, p.Asn1801Thr (NM_001351834.2); short protein forms N1801T.
Identifiers: ClinVar variation 1198351 (VCV001198351.3), dbSNP rs1555106445, ClinGen allele CA382543744.